The following is an entry in ClinVar:

NM_000059.4(BRCA2):c.5285A>G (p.Tyr1762Cys)

Gene: BRCA2 (BRCA2 DNA repair associated; plus strand). Cytogenetic location: 13q13.1.
Variant type: single nucleotide variant.
Coding change: c.5285A>G on transcript NM_000059.4 (MANE Select); coding-DNA position 5285, A replaced by G.
Protein change: p.Tyr1762Cys; replaces tyrosine 1762 with cysteine.
Molecular consequence: missense variant.
Genome position (GRCh38, 1-based): chr13:32,339,640, A>G. VCF-style: chr13-32339640-A-G. GRCh37 (hg19) VCF-style: chr13-32913777-A-G.
Other names: short protein forms Y1762C.
Identifiers: ClinVar variation 483009 (VCV000483009.22), dbSNP rs80358753, ClinGen allele CA387784770.

ClinVar aggregate classification (germline): Conflicting classifications of pathogenicity. Review status: criteria provided, conflicting classifications (1 of 4 stars). 5 submissions from 5 submitters: Uncertain significance (4); Likely benign (1). Last evaluated 2025-12-10.

Conditions:
Hereditary breast ovarian cancer syndrome. Also called: Hereditary breast and ovarian cancer syndrome; Hereditary breast and ovarian cancer; Hereditary breast and ovarian cancer syndrome (HBOC); Breast and ovarian cancer; Hereditary breast and/or ovarian cancer syndrome; BRCA1- and BRCA2-Associated Hereditary Breast and Ovarian Cancer. Identifiers: Orphanet 145, MedGen C0677776, MeSH D061325, MONDO:0003582. Disease mechanism: loss of function.
Hereditary cancer-predisposing syndrome. Also called: Neoplastic Syndromes, Hereditary; Tumor predisposition; Hereditary Cancer Syndrome; Hereditary neoplastic syndrome. Identifiers: Orphanet 140162, MedGen C0027672, MeSH D009386, MONDO:0015356.

Submissions (5):

Labcorp Genetics (formerly Invitae), Labcorp
Classification: Uncertain significance for Hereditary breast ovarian cancer syndrome. Last evaluated: 2025-12-10. Review status: criteria provided, single submitter. Criteria: Invitae Variant Classification Sherloc (09022015). Collection method: clinical testing. Allele origin: germline.
Comment: This sequence change replaces tyrosine, which is neutral and polar, with cysteine, which is neutral and slightly polar, at codon 1762 of the BRCA2 protein (p.Tyr1762Cys). This variant is not present in population databases (gnomAD no frequency). This variant has not been reported in the literature in individuals affected with BRCA2-related conditions. ClinVar contains an entry for this variant (Variation ID: 483009). Invitae Evidence Modeling of protein sequence and biophysical properties (such as structural, functional, and spatial information, amino acid conservation, physicochemical variation, residue mobility, and thermodynamic stability) indicates that this missense variant is not expected to disrupt BRCA2 protein function with a negative predictive value of 95%. In summary, the available evidence is currently insufficient to determine the role of this variant in disease. Therefore, it has been classified as a Variant of Uncertain Significance.

University of Washington Department of Laboratory Medicine, University of Washington
Classification: Likely benign for Hereditary cancer-predisposing syndrome. Last evaluated: 2023-03-23. Review status: criteria provided, single submitter. Criteria: Dines et al. (Genet Med. 2020). Collection method: curation. Allele origin: germline.
Comment: Missense variant in a coldspot region where missense variants are very unlikely to be pathogenic (PMID:31911673).

BRCA2 exon 11 coldspot. Reclassification based on statistical prior probability.

Ambry Genetics
Classification: Uncertain significance for Hereditary cancer-predisposing syndrome. Last evaluated: 2022-11-17. Review status: criteria provided, single submitter. Criteria: Ambry Variant Classification Scheme 2023. Collection method: clinical testing. Allele origin: germline.
Comment: The p.Y1762C variant (also known as c.5285A>G), located in coding exon 10 of the BRCA2 gene, results from an A to G substitution at nucleotide position 5285. The tyrosine at codon 1762 is replaced by cysteine, an amino acid with highly dissimilar properties. This variant was not reported in population based cohorts in the following databases: Database of Single Nucleotide Polymorphisms (dbSNP), NHLBI Exome Sequencing Project (ESP), and 1000 Genomes Project. In the ESP, this variant was not observed in 6496 samples (12992 alleles) with coverage at this position. To date, this alteration has been detected with an allele frequency of approximately 0.0005% (greater than 225000 alleles tested) in our clinical cohort. This amino acid position is poorly conserved in available vertebrate species. In addition, this alteration is predicted to be tolerated by in silico analysis. Since supporting evidence is limited at this time, the clinical significance of this alteration remains unclear.

Genetic Services Laboratory, University of Chicago
Classification: Uncertain significance. Last evaluated: 2021-01-25. Review status: criteria provided, single submitter. Criteria: ACMG Guidelines, 2015. Collection method: clinical testing. Allele origin: germline. Affected: no.
Comment: The second sequence change, c.5285A>G in exon 11, results in an amino acid change, p.Tyr1762Cys. This sequence change is absent from known population databases (gnomAD). The p.Tyr1762Cys change affects a poorly conserved amino acid residue located in a domain of the BRCA2 protein that is known to be functional. The p.Tyr1762Cys substitution appears to be benign using several in-silico pathogenicity prediction tools (SIFT, PolyPhen2, Align GVGD, REVEL). This sequence change does not appear to have been previously described in patients with BRCA2-related cancers. Due to the lack of sufficient evidences, the clinical significance of the p.Tyr1762Cys change remains unknown at this time.

Color Diagnostics, LLC DBA Color Health
Classification: Uncertain significance for Hereditary cancer-predisposing syndrome. Last evaluated: 2019-04-28. Review status: criteria provided, single submitter. Criteria: ACMG Guidelines, 2015. Collection method: clinical testing. Allele origin: germline.